The following is an entry in ClinVar:

ClinVar aggregate classification (germline): Likely pathogenic (1 of 4 stars; one submission).

Conditions:
Early-infantile DEE. Also called: Early infantile epileptic encephalopathy; Ohtahara syndrome; Early infantile epileptic encephalopathy with suppression bursts. Identifiers: Orphanet 1934, MedGen C0393706, MONDO:0800491.

Submission:

Labcorp Genetics (formerly Invitae), Labcorp
Classification: Likely pathogenic for Early-infantile DEE. Last evaluated: 2024-08-24. Review status: criteria provided, single submitter. Criteria: Invitae Variant Classification Sherloc (09022015). Collection method: clinical testing. Allele origin: germline.
Comment: This sequence change replaces aspartic acid, which is acidic and polar, with histidine, which is basic and polar, at codon 1755 of the SCN1A protein (p.Asp1755His). This variant is not present in population databases (gnomAD no frequency). This variant has not been reported in the literature in individuals affected with SCN1A-related conditions. Invitae Evidence Modeling of protein sequence and biophysical properties (such as structural, functional, and spatial information, amino acid conservation, physicochemical variation, residue mobility, and thermodynamic stability) indicates that this missense variant is expected to disrupt SCN1A protein function with a positive predictive value of 95%. This variant disrupts the p.Asp1755 amino acid residue in SCN1A. Other variant(s) that disrupt this residue have been determined to be pathogenic (internal data). This suggests that this residue is clinically significant, and that variants that disrupt this residue are likely to be disease-causing. In summary, the currently available evidence indicates that the variant is pathogenic, but additional data are needed to prove that conclusively. Therefore, this variant has been classified as Likely Pathogenic.

NM_001165963.4(SCN1A):c.5263G>C (p.Asp1755His)

Genes: SCN1A (sodium voltage-gated channel alpha subunit 1; minus strand), LOC102724058 (uncharacterized LOC102724058; plus strand). Cytogenetic location: 2q24.3.
Variant type: single nucleotide variant.
Coding change: c.5263G>C on transcript NM_001165963.4 (MANE Select); coding-DNA position 5263, G replaced by C.
Protein change: p.Asp1755His; replaces aspartic acid 1755 with histidine.
Molecular consequence: missense variant. On other transcripts: non-coding transcript variant (1).
Genome position (GRCh38, 1-based): chr2:165,992,012, C>G on the plus strand (G>C on the coding strand, the complement: SCN1A is on the minus strand). VCF-style: chr2-165992012-C-G. GRCh37 (hg19) VCF-style: chr2-166848522-C-G.
Other names: c.5179G>C, p.Asp1727His (NM_001165964.3, NM_001353957.2, NM_001353958.2); c.5263G>C, p.Asp1755His (NM_001202435.3, NM_001353948.2); c.5230G>C, p.Asp1744His (NM_001353949.2, NM_001353950.2, NM_001353951.2 and 2 more transcripts); c.5227G>C, p.Asp1743His (NM_001353954.2, NM_001353955.2); c.5176G>C, p.Asp1726His (NM_001353960.2); c.2821G>C, p.Asp941His (NM_001353961.2); short protein forms D1743H, D1755H, D941H, D1727H, D1744H, D1726H.
Identifiers: ClinVar variation 3634003 (VCV003634003.2).
Genomic context (GRCh38, chr2:165,992,012, plus strand): 5'-GGAAGGATATGATGATGTAACTGACAAAAAAGAAAATTCCAACAGATGGGTTCCCACAGT[C>G]TCCCTTAACTGAGCTTCCAGGGTTAACTTTATTAGGGTCACAGTCGGGTGGCTTACTGTT-3'
Protein context (NP_001159435.1, residues 1745-1765): KVNPGSSVKG[Asp1755His]CGNPSVGIFF